The following is an entry in ClinVar:

ClinVar aggregate classification (germline): Pathogenic (3 of 4 stars; one submission).

Conditions:
Marfan syndrome (MFS). Also called: MARFAN SYNDROME, TYPE I; FBN1-Related Marfan Syndrome; Marfan syndrome type 1; Marfan's syndrome; Marfan syndrome, classic. Identifiers: Orphanet 284963, Orphanet 558, MedGen C0024796, MONDO:0007947, OMIM 154700.

Submission:

ClinGen FBN1 Variant Curation Expert Panel, ClinGen
Classification: Pathogenic for Marfan syndrome. Last evaluated: 2022-12-01. Review status: reviewed by expert panel. Criteria: Assertion Criteria VCEP FBN1 Version 1. Collection method: curation. Allele origin: germline. Inheritance: Autosomal dominant inheritance.
Comment: NM_00138 c.4255C>T is a nonsense variant in FBN1 predicted to cause a substitution of a Glutamine by a termination codon at amino acid 1419 (p.Gln1419*), which likely results in an absent or disrupted protein product (PVS1). This variant was found in a proband with thoracic aortic aneurysm or dissection (TAAD) and a systemic score greater than or equal to 7 (PMID: 29357934) (PS4_supporting). This variant is not present in gnomAD v2.1.1 (PM2_supporting). In summary, this variant meets criteria to be classified as pathogenic for Marfan syndrome based on the ACMG/AMP criteria applied, as specified by the ClinGen FBN1 VCEP: PVS1, PS4_supporting, PM2_supporting, PP4.

NM_000138.5(FBN1):c.4255C>T (p.Gln1419Ter)

Genes: FBN1 (fibrillin 1; minus strand), LOC126862124 (CDK7 strongly-dependent group 2 enhancer GRCh37_chr15:48764566-48765765; plus strand). Cytogenetic location: 15q21.1.
Variant type: single nucleotide variant.
Coding change: c.4255C>T on transcript NM_000138.5 (MANE Select); coding-DNA position 4255, C replaced by T.
Protein change: p.Gln1419Ter; replaces glutamine 1419 with a stop codon.
Molecular consequence: nonsense.
Genome position (GRCh38, 1-based): chr15:48,472,632, G>A on the plus strand (C>T on the coding strand, the complement: FBN1 is on the minus strand). VCF-style: chr15-48472632-G-A. GRCh37 (hg19) VCF-style: chr15-48764829-G-A.
Other names: NM_000138.5:c.4255C>T; c.4255C>T, p.Gln1419Ter (NM_001406716.1); short protein forms Q1419*.
Identifiers: ClinVar variation 2413173 (VCV002413173.4), dbSNP rs973691866, ClinGen allele CA392317923.